The following is an entry in ClinVar:

NC_000021.8:g.(?_46875445)_(46893915_?)dup

Gene: COL18A1 (collagen type XVIII alpha 1 chain; plus strand). Cytogenetic location: 21q22.3.
Variant type: Duplication.
Identifiers: ClinVar variation 2427189 (VCV002427189.4).

ClinVar aggregate classification (germline): Likely pathogenic (1 of 4 stars; one submission).

Submission:

Labcorp Genetics (formerly Invitae), Labcorp
Classification: Likely pathogenic. Last evaluated: 2022-04-28. Review status: criteria provided, single submitter. Criteria: Invitae Variant Classification Sherloc (09022015). Collection method: clinical testing. Allele origin: germline.
Comment: This variant results in a copy number gain of the genomic region encompassing exon(s) 3-4 of the COL18A1 gene. While the exact position of this variant cannot be determined from the data, sub-genic copy number gains are generally in tandem (PMID: 25640679). This variant is predicted to be out-of-frame, and may result in an absent or disrupted protein product. Loss-of-function variants in COL18A1 are known to be pathogenic (PMID: 12415512, 25456301). This variant has not been reported in the literature in individuals affected with COL18A1-related conditions. In summary, the currently available evidence indicates that the variant is pathogenic, but additional data are needed to prove that conclusively. Therefore, this variant has been classified as Likely Pathogenic.

Literature cited by the submitters: PubMed 25640679; PubMed 12415512; PubMed 25456301.